The following is an entry in ClinVar:

NM_000186.4(CFH):c.2416del (p.Ala806fs)

Gene: CFH (complement factor H; plus strand). Cytogenetic location: 1q31.3.
Variant type: Deletion.
Coding change: c.2416del on transcript NM_000186.4 (MANE Select); coding-DNA position 2416, one base deleted (G; older notation c.2416delG).
Protein change: p.Ala806fs; shifts the reading frame from alanine 806.
Molecular consequence: frameshift variant.
Genome position (GRCh38, 1-based): chr1:196,736,826, G deleted; the last of 2 consecutive G bases (chr1:196,736,825-196,736,826); deleting either gives the same sequence. VCF-style (leftmost placement, unchanged base first): chr1-196736824-TG-T. GRCh37 (hg19) VCF-style: chr1-196705954-TG-T.
Other names: short protein forms A806fs.
Identifiers: ClinVar variation 4291478 (VCV004291478.1).

ClinVar aggregate classification (germline): Pathogenic, low penetrance (1 of 4 stars; one submission).

Conditions:
Atypical hemolytic-uremic syndrome. Identifiers: Orphanet 2134, MedGen C2931788, MONDO:0016244.

Submission:

Genomenon, Inc
Classification: Pathogenic, low penetrance for Atypical hemolytic-uremic syndrome. Last evaluated: 2025-10-02. Review status: criteria provided, single submitter. Criteria: Genomenon Sequence Variant Interpretation Standards - Updated. Collection method: curation. Allele origin: germline. Affected: yes.
Comment: CFH p.Ala806HisfsTer18 (c.2416del) is a frameshift variant that results in the production of a truncated protein which is predicted to undergo nonsense-mediated mRNA decay. This variant has been observed in at least one proband affected with atypical hemolytic-uremic syndrome (PMID:33213850). It is absent or not present at a significant frequency in gnomAD. In conclusion, we classify CFH p.Ala806HisfsTer18 (c.2416del) as a pathogenic, low penetrance variant.

Literature cited by the submitters: PubMed 33213850.